The following is an entry in ClinVar:

NM_020778.5(ALPK3):c.531_532delinsT (p.His178fs)

Gene: ALPK3 (alpha kinase 3; plus strand). Cytogenetic location: 15q25.3.
Variant type: Indel.
Coding change: c.531_532delinsT on transcript NM_020778.5 (MANE Select); coding-DNA positions 531 to 532, CC replaced by T.
Protein change: p.His178fs; shifts the reading frame from histidine 178.
Molecular consequence: frameshift variant.
Genome position (GRCh38, 1-based): chr15:84,839,810-84,839,811, CC replaced by T. VCF-style: chr15-84839810-CC-T. GRCh37 (hg19) VCF-style: chr15-85383041-CC-T.
Other names: short protein forms H178fs.
Identifiers: ClinVar variation 5037842 (VCV005037842.1).

ClinVar aggregate classification (germline): Likely pathogenic (1 of 4 stars; one submission).

Conditions:
Cardiovascular phenotype. Identifiers: MedGen CN230736.

Submission:

Molecular Diagnostic Laboratory for Inherited Cardiovascular Disease, Montreal Heart Institute
Classification: Likely pathogenic for Cardiovascular phenotype. Last evaluated: 2026-05-27. Review status: criteria provided, single submitter. Criteria: ACMG Guidelines, 2015. Collection method: clinical testing. Allele origin: germline. Affected: yes.
Comment: PVS1, PM2